The following is an entry in ClinVar:

NM_178857.6(RP1L1):c.3157G>A (p.Glu1053Lys)

Gene: RP1L1 (RP1 like 1). Cytogenetic location: 8p23.1.
Variant type: single nucleotide variant.
Coding change: c.3157G>A on transcript NM_178857.6 (MANE Select); coding-DNA position 3157, G replaced by A.
Protein change: p.Glu1053Lys; replaces glutamic acid 1053 with lysine.
Molecular consequence: missense variant.
Genome position (GRCh38, 1-based): chr8:10,610,941, C>T on the plus strand (G>A on the coding strand, the complement: RP1L1 is on the minus strand). VCF-style: chr8-10610941-C-T. GRCh37 (hg19) VCF-style: chr8-10468451-C-T.
Other names: c.3157G>A (NM_178857.5); short protein forms E1053K.
Identifiers: ClinVar variation 3249401 (VCV003249401.4).

ClinVar aggregate classification (germline): Conflicting classifications of pathogenicity. Review status: criteria provided, conflicting classifications (1 of 4 stars). 4 submissions from 4 submitters: Uncertain significance (1); Benign (1); Likely benign (1). 1 of the submissions does not count toward it. Last evaluated 2025-03-12.

Conditions:
RP1L1-related disorder. Also called: RP1L1-related condition.
Inborn genetic diseases. Identifiers: MedGen C0950123, MeSH D030342.
Retinal dystrophy. Also called: Inherited retinal dystrophy. Identifiers: Orphanet 71862, MedGen C0854723, MeSH D058499, MONDO:0019118, HP:0000556.

gnomAD v4.1: 217 of 1,611,610 alleles (0.013%); highest among the groups gnomAD compares: African/African-American, 0.17%; no homozygotes.

Submissions (4):

PreventionGenetics, part of Exact Sciences
Classification: Likely benign for RP1L1-related condition. Last evaluated: 2025-03-12. Review status: criteria provided, single submitter. Criteria: ACMG Guidelines, 2015. Collection method: clinical testing. Allele origin: germline.
Comment: This variant is classified as likely benign based on ACMG/AMP sequence variant interpretation guidelines (Richards et al. 2015 PMID: 25741868, with internal and published modifications).

Ambry Genetics
Classification: Uncertain significance for Inborn genetic diseases. Last evaluated: 2024-06-17. Review status: criteria provided, single submitter. Criteria: Ambry Variant Classification Scheme 2023. Collection method: clinical testing. Allele origin: germline.

Blueprint Genetics
Classification: Benign. Last evaluated: 2024-05-22. Review status: criteria provided, single submitter. Criteria: ACMG Guidelines, 2015. Collection method: clinical testing. Allele origin: germline.

Institute of Human Genetics, Univ. Regensburg, Univ. Regensburg
Classification: Uncertain significance for Retinal dystrophy. Last evaluated: 2022-01-01. Review status: no assertion criteria provided. Criteria: ACMG Guidelines, 2015. Collection method: clinical testing. Allele origin: germline. Affected: yes. Not counted in ClinVar's aggregate classification.